The following is an entry in ClinVar:

ClinVar aggregate classification (germline): Uncertain significance (1 of 4 stars; one submission).

Allele frequency attached by ClinVar (database versions not stated): TOPMed below 0.00001; gnomAD 0.00001.
gnomAD v4.1: 3 of 1,599,424 alleles (0.00019%); highest among the groups gnomAD compares: Middle Eastern, 0.017%; no homozygotes.

Submission:

Women's Health and Genetics/Laboratory Corporation of America, LabCorp
Classification: Uncertain significance. Last evaluated: 2023-05-11. Review status: criteria provided, single submitter. Criteria: LabCorp Variant Classification Summary - May 2015. Collection method: clinical testing. Allele origin: germline.
Comment: Variant summary: TRIP12 c.6008-6A>G alters a non-conserved nucleotide located close to a canonical splice site and therefore could affect mRNA splicing, leading to a significantly altered protein sequence. 4/4 computational tools predict no significant impact on normal splicing. However, these predictions have yet to be confirmed by functional studies. The variant was absent in 233492 control chromosomes (gnomAD). The available data on variant occurrences in the general population are insufficient to allow any conclusion about variant significance. To our knowledge, no occurrence of c.6008-6A>G in individuals affected with Clark-Baraitser Syndrome and no experimental evidence demonstrating its impact on protein function have been reported. No clinical diagnostic laboratories have submitted clinical-significance assessments for this variant to ClinVar after 2014. Based on the evidence outlined above, the variant was classified as uncertain significance.

NM_001348323.3(TRIP12):c.6008-6A>G

Gene: TRIP12 (thyroid hormone receptor interactor 12; minus strand). Cytogenetic location: 2q36.3.
Variant type: single nucleotide variant.
Coding change: c.6008-6A>G on transcript NM_001348323.3 (MANE Select); 6 bases into the intron before coding-DNA position 6008, A replaced by G.
Molecular consequence: intron variant.
Genome position (GRCh38, 1-based): chr2:229,767,756, T>C on the plus strand (A>G on the coding strand, the complement: TRIP12 is on the minus strand). VCF-style: chr2-229767756-T-C. GRCh37 (hg19) VCF-style: chr2-230632472-T-C.
Other names: c.4973-6A>G (NM_001284216.2); c.5783-6A>G (NM_004238.3); c.5786-6A>G (NM_001348331.1); c.5867-6A>G (NM_001348317.1, NM_001348318.2); c.5882-6A>G (NM_001284215.2, NM_001348316.2); c.5906-6A>G (NM_001348332.1); c.5927-6A>G (NM_001284214.2, NM_001348315.2); c.5993-6A>G (NM_001348319.1, NM_001348320.2); and 4 more.
Identifiers: ClinVar variation 2506259 (VCV002506259.1), dbSNP rs2032264882, ClinGen allele CA1043233271.